The following is an entry in ClinVar:

NM_001854.4(COL11A1):c.550A>G (p.Lys184Glu)

Gene: COL11A1 (collagen type XI alpha 1 chain; minus strand). Cytogenetic location: 1p21.1.
Variant type: single nucleotide variant.
Coding change: c.550A>G on transcript NM_001854.4 (MANE Select); coding-DNA position 550, A replaced by G.
Protein change: p.Lys184Glu; replaces lysine 184 with glutamic acid.
Molecular consequence: missense variant. On other transcripts: non-coding transcript variant (1).
Genome position (GRCh38, 1-based): chr1:103,074,719, T>C on the plus strand (A>G on the coding strand, the complement: COL11A1 is on the minus strand). VCF-style: chr1-103074719-T-C. GRCh37 (hg19) VCF-style: chr1-103540275-T-C.
Other names: c.550A>G, p.Lys184Glu (NM_001168249.1, NM_001190709.2, NM_080629.3 and 1 more transcripts); short protein forms K184E.
Identifiers: ClinVar variation 2544666 (VCV002544666.3), dbSNP rs1041040231, ClinGen allele CA27752884.

ClinVar aggregate classification (germline): Uncertain significance. Review status: criteria provided, multiple submitters, no conflicts (2 of 4 stars). 2 submissions from 2 submitters: Uncertain significance (2). Last evaluated 2025-08-10.

Conditions:
Inborn genetic diseases. Identifiers: MedGen C0950123, MeSH D030342.

Allele frequency attached by ClinVar (database versions not stated): gnomAD exomes below 0.00001.
gnomAD v4.1: 2 of 1,613,410 alleles (0.00012%); highest among the groups gnomAD compares: Non-Finnish European, 0.00017%; no homozygotes.

Submissions (2):

Labcorp Genetics (formerly Invitae), Labcorp
Classification: Uncertain significance. Last evaluated: 2025-08-10. Review status: criteria provided, single submitter. Criteria: Invitae Variant Classification Sherloc (09022015). Collection method: clinical testing. Allele origin: germline.
Comment: This sequence change replaces lysine, which is basic and polar, with glutamic acid, which is acidic and polar, at codon 184 of the COL11A1 protein (p.Lys184Glu). This variant is not present in population databases (gnomAD no frequency). This variant has not been reported in the literature in individuals affected with COL11A1-related conditions. ClinVar contains an entry for this variant (Variation ID: 2544666). Invitae Evidence Modeling of protein sequence and biophysical properties (such as structural, functional, and spatial information, amino acid conservation, physicochemical variation, residue mobility, and thermodynamic stability) indicates that this missense variant is not expected to disrupt COL11A1 protein function with a negative predictive value of 95%. In summary, the available evidence is currently insufficient to determine the role of this variant in disease. Therefore, it has been classified as a Variant of Uncertain Significance.

Ambry Genetics
Classification: Uncertain significance for Inborn genetic diseases. Last evaluated: 2023-05-05. Review status: criteria provided, single submitter. Criteria: Ambry Variant Classification Scheme 2023. Collection method: clinical testing. Allele origin: germline.